The following is an entry in ClinVar:

ClinVar aggregate classification (germline): Benign (1 of 4 stars; one submission).

Conditions:
Dermatofibrosis lenticularis disseminata (BOS). Also called: DERMATOFIBROSIS LENTICULARIS DISSEMINATA WITH OSTEOPOIKILOSIS; DERMATOOSTEOPOIKILOSIS; OSTEOPATHIA CONDENSANS DISSEMINATA. Identifiers: Orphanet 1306, MedGen C0265514, MONDO:0008157, OMIM 166700.

Allele frequency attached by ClinVar (database versions not stated): gnomAD 0.00001 and 0.00003; TOPMed 0.00004; 1000 Genomes Project 0.00060; 1000 Genomes Project 30x 0.00078.

Submission:

Illumina Laboratory Services, Illumina
Classification: Benign for Dermatofibrosis lenticularis disseminata. Last evaluated: 2018-01-13. Review status: criteria provided, single submitter. Criteria: ICSL Variant Classification Criteria 13 December 2019. Collection method: clinical testing. Allele origin: germline.
Comment: This variant was observed in the ICSL laboratory as part of a predisposition screen in an ostensibly healthy population. It had not been previously curated by ICSL or reported in the Human Gene Mutation Database (HGMD: prior to June 1st, 2018), and was therefore a candidate for classification through an automated scoring system. Utilizing variant allele frequency, disease prevalence and penetrance estimates, and inheritance mode, an automated score was calculated to assess if this variant is too frequent to cause the disease. Based on the score and internal cut-off values, a variant classified as benign is not then subjected to further curation. The score for this variant resulted in a classification of benign for this disease.

NM_014319.5(LEMD3):c.*895T>C

Gene: LEMD3 (LEM domain containing 3; plus strand). Cytogenetic location: 12q14.3.
Variant type: single nucleotide variant.
Coding change: c.*895T>C on transcript NM_014319.5 (MANE Select); 895 bases downstream of the stop codon, T replaced by C.
Molecular consequence: 3 prime UTR variant.
Genome position (GRCh38, 1-based): chr12:65,247,220, T>C. VCF-style: chr12-65247220-T-C. GRCh37 (hg19) VCF-style: chr12-65641000-T-C.
Other names: c.*895T>C (NM_001167614.2).
Identifiers: ClinVar variation 310251 (VCV000310251.5), dbSNP rs182177872, ClinGen allele CA10638404.